The following is an entry in ClinVar:

NM_145200.5(CABP4):c.200C>T (p.Pro67Leu)

Gene: CABP4 (calcium binding protein 4; plus strand). Cytogenetic location: 11q13.2.
Variant type: single nucleotide variant.
Coding change: c.200C>T on transcript NM_145200.5 (MANE Select); coding-DNA position 200, C replaced by T.
Protein change: p.Pro67Leu; replaces proline 67 with leucine.
Molecular consequence: missense variant. On other transcripts: 5 prime UTR variant (2), non-coding transcript variant (1), intron variant (1).
Genome position (GRCh38, 1-based): chr11:67,455,623, C>T. VCF-style: chr11-67455623-C-T. GRCh37 (hg19) VCF-style: chr11-67223094-C-T.
Other names: c.-184C>T (NM_001300895.3); c.-198C>T (NM_001379183.1); c.-112-86C>T (NM_001300896.3); short protein forms P67L.
Identifiers: ClinVar variation 1047681 (VCV001047681.8), dbSNP rs752839228, ClinGen allele CA6140088.

ClinVar aggregate classification (germline): Uncertain significance. Review status: criteria provided, multiple submitters, no conflicts (2 of 4 stars). 3 submissions from 3 submitters: Uncertain significance (3). Last evaluated 2024-10-24.

Allele frequency attached by ClinVar (database versions not stated): gnomAD exomes 0.00002; ExAC 0.00005; TOPMed 0.00002; gnomAD 0.00001.
gnomAD v4.1: 34 of 1,608,104 alleles (0.0021%); highest among the groups gnomAD compares: South Asian, 0.014%; no homozygotes.

Submissions (3):

Labcorp Genetics (formerly Invitae), Labcorp
Classification: Uncertain significance. Last evaluated: 2024-10-24. Review status: criteria provided, single submitter. Criteria: Invitae Variant Classification Sherloc (09022015). Collection method: clinical testing. Allele origin: germline.
Comment: This sequence change replaces proline, which is neutral and non-polar, with leucine, which is neutral and non-polar, at codon 67 of the CABP4 protein (p.Pro67Leu). This variant is present in population databases (rs752839228, gnomAD 0.01%). This variant has not been reported in the literature in individuals affected with CABP4-related conditions. ClinVar contains an entry for this variant (Variation ID: 1047681). Invitae Evidence Modeling of protein sequence and biophysical properties (such as structural, functional, and spatial information, amino acid conservation, physicochemical variation, residue mobility, and thermodynamic stability) indicates that this missense variant is not expected to disrupt CABP4 protein function with a negative predictive value of 80%. In summary, the available evidence is currently insufficient to determine the role of this variant in disease. Therefore, it has been classified as a Variant of Uncertain Significance.

Blueprint Genetics
Classification: Uncertain significance. Last evaluated: 2022-09-26. Review status: criteria provided, single submitter. Criteria: ACMG Guidelines, 2015. Collection method: clinical testing. Allele origin: germline.

Breakthrough Genomics
Classification: Uncertain significance. Review status: criteria provided, single submitter. Criteria: ACMG Guidelines, 2015. Collection method: not provided. Allele origin: germline. Inheritance: Autosomal recessive inheritance. Affected: yes.